The following is an entry in ClinVar:

NM_001267550.2(TTN):c.45966G>A (p.Trp15322Ter)

Gene: TTN (titin; minus strand). Cytogenetic location: 2q31.2.
Variant type: single nucleotide variant.
Coding change: c.45966G>A on transcript NM_001267550.2 (MANE Select); coding-DNA position 45966, G replaced by A.
Protein change: p.Trp15322Ter; replaces tryptophan 15322 with a stop codon.
Molecular consequence: nonsense.
Genome position (GRCh38, 1-based): chr2:178,620,555, C>T on the plus strand (G>A on the coding strand, the complement: TTN is on the minus strand). VCF-style: chr2-178620555-C-T. GRCh37 (hg19) VCF-style: chr2-179485282-C-T.
Other names: c.41043G>A, p.Trp13681Ter (NM_001256850.1); c.18771G>A, p.Trp6257Ter (NM_003319.4); c.38262G>A, p.Trp12754Ter (NM_133378.4); c.19146G>A, p.Trp6382Ter (NM_133432.3); c.19347G>A, p.Trp6449Ter (NM_133437.4); short protein forms W12754*, W13681*, W15322*, W6257*, W6382*, W6449*.
Identifiers: ClinVar variation 3382705 (VCV003382705.4).

ClinVar aggregate classification (germline): Pathogenic/Likely pathogenic. Review status: criteria provided, multiple submitters, no conflicts (2 of 4 stars). 2 submissions from 2 submitters: Pathogenic (1); Likely pathogenic (1). Last evaluated 2025-01-20.

Conditions:
Dilated cardiomyopathy 1G (CMD1G). Identifiers: Orphanet 154, MedGen C1858763, MONDO:0011400, OMIM 604145.

Submissions (2):

3billion
Classification: Pathogenic for Dilated cardiomyopathy 1G. Last evaluated: 2025-01-20. Review status: criteria provided, single submitter. Criteria: ACMG Guidelines, 2015. Collection method: clinical testing. Allele origin: germline. Affected: yes.
Comment: The variant is not observed in the gnomAD v4.1.0 dataset. Predicted Consequence/Location: Stop-gained (nonsense): predicted to result in a loss or disruption of normal protein function through nonsense-mediated decay (NMD) or protein truncation. Multiple pathogenic variants are reported downstream of the variant. The variant has been reported to be associated with TTN-related disorder (ClinVar ID: VCV003382705). Therefore, this variant is classified as Pathogenic according to the recommendation of ACMG/AMP guideline.

Juno Genomics, Hangzhou Juno Genomics, Inc
Classification: Likely pathogenic for Dilated cardiomyopathy 1G. Review status: criteria provided, single submitter. Criteria: ACMG Guidelines, 2015. Collection method: clinical testing. Allele origin: germline.
Comment: Absent from controls (or at extremely low frequency if recessive) in Genome Aggregation Database.;Null variant in a gene where loss of function (LOF) is a known mechanism of disease.